The following is an entry in ClinVar:

ClinVar aggregate classification (germline): Uncertain significance (1 of 4 stars; one submission).

Conditions:
Long QT syndrome (LQTS). Identifiers: MedGen C0023976, MeSH D008133, MONDO:0002442. Disease mechanism: loss of function. Inheritance: Various modes of inheritance.

Submission:

Labcorp Genetics (formerly Invitae), Labcorp
Classification: Uncertain significance for Long QT syndrome. Last evaluated: 2022-05-21. Review status: criteria provided, single submitter. Criteria: Invitae Variant Classification Sherloc (09022015). Collection method: clinical testing. Allele origin: germline.
Comment: In summary, the available evidence is currently insufficient to determine the role of this variant in disease. Therefore, it has been classified as a Variant of Uncertain Significance. Algorithms developed to predict the effect of missense changes on protein structure and function output the following: SIFT: "Tolerated"; PolyPhen-2: "Benign"; Align-GVGD: "Class C0". The leucine amino acid residue is found in multiple mammalian species, which suggests that this missense change does not adversely affect protein function. This variant has not been reported in the literature in individuals affected with ANK2-related conditions. This variant is not present in population databases (gnomAD no frequency). This sequence change replaces phenylalanine, which is neutral and non-polar, with leucine, which is neutral and non-polar, at codon 3329 of the ANK2 protein (p.Phe3329Leu).

NM_001148.6(ANK2):c.9985T>C (p.Phe3329Leu)

Gene: ANK2 (ankyrin 2; plus strand). Cytogenetic location: 4q26.
Variant type: single nucleotide variant.
Coding change: c.9985T>C on transcript NM_001148.6 (MANE Select); coding-DNA position 9985, T replaced by C.
Protein change: p.Phe3329Leu; replaces phenylalanine 3329 with leucine.
Molecular consequence: missense variant. On other transcripts: intron variant (68).
Genome position (GRCh38, 1-based): chr4:113,358,603, T>C. VCF-style: chr4-113358603-T-C. GRCh37 (hg19) VCF-style: chr4-114279759-T-C.
Other names: c.9751T>C, p.Phe3251Leu (NM_001386142.1); c.6385T>C, p.Phe2129Leu (NM_001386166.1); c.10126T>C, p.Phe3376Leu (NM_001386174.1); c.10102T>C, p.Phe3368Leu (NM_001386175.1); c.4412-2220T>C (NM_001386186.2, NM_001386148.2); c.4214-2220T>C (NM_001354269.3); c.4292-2220T>C (NM_001386187.2); c.4253-2220T>C (NM_001386147.1); and 35 more; short protein forms F2129L, F3251L, F3329L, F3368L, F3376L.
Identifiers: ClinVar variation 2061568 (VCV002061568.4), dbSNP rs2506009682, ClinGen allele CA357939426.